The following is an entry in ClinVar:

NM_000053.4(ATP7B):c.2124C>T (p.Leu708=)

Gene: ATP7B (ATPase copper transporting beta; minus strand). Cytogenetic location: 13q14.3.
Variant type: single nucleotide variant.
Coding change: c.2124C>T on transcript NM_000053.4 (MANE Select); coding-DNA position 2124, C replaced by T.
Protein change: p.Leu708=; no amino-acid change (leucine 708 retained).
Molecular consequence: synonymous variant. On other transcripts: intron variant (2).
Genome position (GRCh38, 1-based): chr13:51,958,542, G>A on the plus strand (C>T on the coding strand, the complement: ATP7B is on the minus strand). VCF-style: chr13-51958542-G-A. GRCh37 (hg19) VCF-style: chr13-52532678-G-A.
Other names: c.1791C>T, p.Leu597= (NM_001243182.2); c.1872C>T, p.Leu624= (NM_001330579.2); c.1870-935C>T (NM_001005918.3); c.2122-935C>T (NM_001330578.2).
Identifiers: ClinVar variation 1529458 (VCV001529458.10), dbSNP rs779988850, ClinGen allele CA6989104.

ClinVar aggregate classification (germline): Likely benign. Review status: criteria provided, multiple submitters, no conflicts (2 of 4 stars). 3 submissions from 3 submitters: Likely benign (3). Last evaluated 2024-04-26.

Conditions:
Wilson disease (WND). Also called: Wilson's disease. Identifiers: Orphanet 905, MedGen C0019202, MONDO:0010200, OMIM 277900. Disease mechanism: loss of function.

Allele frequency attached by ClinVar (database versions not stated): gnomAD exomes below 0.00001; ExAC 0.00001; TOPMed 0.00001.
gnomAD v4.1: 2 of 1,613,958 alleles (0.00012%); highest among the groups gnomAD compares: South Asian, 0.0011%; no homozygotes.

Submissions (3):

Blueprint Genetics
Classification: Likely benign. Last evaluated: 2024-04-26. Review status: criteria provided, single submitter. Criteria: ACMG Guidelines, 2015. Collection method: clinical testing. Allele origin: germline.

All of Us Research Program, National Institutes of Health
Classification: Likely benign for Wilson disease. Last evaluated: 2023-08-15. Review status: criteria provided, single submitter. Criteria: ACMG Guidelines, 2015. Collection method: clinical testing. Allele origin: germline. Inheritance: Autosomal recessive inheritance. Observed: 1 variant allele, 1 heterozygote.
Comment: This study involves interpretation of variants in research participants for the purpose of population health screening. Participant phenotype was not available at the time of variant classification. Additional details can be found in publication PMID: 35346344, PMCID: PMC8962531

Labcorp Genetics (formerly Invitae), Labcorp
Classification: Likely benign for Wilson disease. Last evaluated: 2022-08-15. Review status: criteria provided, single submitter. Criteria: Invitae Variant Classification Sherloc (09022015). Collection method: clinical testing. Allele origin: germline.